The following is an entry in ClinVar:

NM_001080467.3(MYO5B):c.1131T>C (p.Cys377=)

Gene: MYO5B (myosin VB; minus strand). Cytogenetic location: 18q21.1.
Variant type: single nucleotide variant.
Coding change: c.1131T>C on transcript NM_001080467.3 (MANE Select); coding-DNA position 1131, T replaced by C.
Protein change: p.Cys377=; no amino-acid change (cysteine 377 retained).
Molecular consequence: synonymous variant.
Genome position (GRCh38, 1-based): chr18:49,974,541, A>G on the plus strand (T>C on the coding strand, the complement: MYO5B is on the minus strand). VCF-style: chr18-49974541-A-G. GRCh37 (hg19) VCF-style: chr18-47500911-A-G.
Identifiers: ClinVar variation 4983349 (VCV004983349.1).

ClinVar aggregate classification (germline): Likely benign (1 of 4 stars; one submission).

Conditions:
MYO5B-related disorder. Also called: MYO5B-related condition.

Submission:

PreventionGenetics, part of Exact Sciences
Classification: Likely benign for MYO5B-related condition. Last evaluated: 2026-06-29. Review status: criteria provided, single submitter. Criteria: ACMG Guidelines, 2015. Collection method: clinical testing. Allele origin: germline.
Comment: This variant is classified as likely benign based on ACMG/AMP sequence variant interpretation guidelines (Richards et al. 2015 PMID: 25741868, with internal and published modifications).